The following is an entry in ClinVar:

ClinVar aggregate classification (germline): Uncertain significance (1 of 4 stars; one submission).

gnomAD v4.1: 2 of 1,614,206 alleles (0.00012%); highest among the groups gnomAD compares: Non-Finnish European, 0.00017%; no homozygotes.

Submission:

Labcorp Genetics (formerly Invitae), Labcorp
Classification: Uncertain significance. Last evaluated: 2025-05-23. Review status: criteria provided, single submitter. Criteria: Invitae Variant Classification Sherloc (09022015). Collection method: clinical testing. Allele origin: germline.
Comment: This sequence change replaces isoleucine, which is neutral and non-polar, with leucine, which is neutral and non-polar, at codon 368 of the OAS1 protein (p.Ile368Leu). This variant is present in population databases (no rsID available, gnomAD 0.002%). This variant has not been reported in the literature in individuals affected with OAS1-related conditions. An algorithm developed to predict the effect of missense changes on protein structure and function (PolyPhen-2) suggests that this variant is likely to be tolerated. In summary, the available evidence is currently insufficient to determine the role of this variant in disease. Therefore, it has been classified as a Variant of Uncertain Significance.

NM_016816.4(OAS1):c.1102A>C (p.Ile368Leu)

Gene: OAS1 (2'-5'-oligoadenylate synthetase 1; plus strand). Cytogenetic location: 12q24.13.
Variant type: single nucleotide variant.
Coding change: c.1102A>C on transcript NM_016816.4 (MANE Select); coding-DNA position 1102, A replaced by C.
Protein change: p.Ile368Leu; replaces isoleucine 368 with leucine.
Molecular consequence: missense variant. On other transcripts: 3 prime UTR variant (5), non-coding transcript variant (7), intron variant (5).
Genome position (GRCh38, 1-based): chr12:112,919,452, A>C. VCF-style: chr12-112919452-A-C. GRCh37 (hg19) VCF-style: chr12-113357257-A-C.
Other names: c.1078A>C, p.Ile360Leu (NM_001406021.1); c.*739A>C (NM_001406022.1, NM_001406023.1, NM_001406029.1); c.*1695A>C (NM_001406024.1, NM_001406030.1); c.628A>C, p.Ile210Leu (NM_001406027.1); c.1038+1752A>C (NM_001320151.2); c.1014+1752A>C (NM_001406025.1); c.1039-35A>C (NM_001032409.3); c.1015-35A>C (NM_001406020.1); and 1 more; short protein forms I210L, I368L, I360L.
Identifiers: ClinVar variation 4770175 (VCV004770175.1).